The following is an entry in ClinVar:

NM_173630.4(RTTN):c.2582-291A>G

Gene: RTTN (rotatin; minus strand). Cytogenetic location: 18q22.2.
Variant type: single nucleotide variant.
Coding change: c.2582-291A>G on transcript NM_173630.4 (MANE Select); 291 bases into the intron before coding-DNA position 2582, A replaced by G.
Molecular consequence: intron variant.
Genome position (GRCh38, 1-based): chr18:70,140,479, T>C on the plus strand (A>G on the coding strand, the complement: RTTN is on the minus strand). VCF-style: chr18-70140479-T-C. GRCh37 (hg19) VCF-style: chr18-67807715-T-C.
Other names: c.-66-763A>G (NM_001318520.2).
Identifiers: ClinVar variation 673544 (VCV000673544.1), dbSNP rs74983640, ClinGen allele CA301920087.
Genomic context (GRCh38, chr18:70,140,479, plus strand): 5'-AACTATAAAAAAAGAATTATGGAACTAGTTCAGACTCTGAAAACTACGAGAATTTAAGTG[T>C]ACAAATGAATGCTTATATTTATACATGCAAATTATCTTCTTTATATTATTTCATTGACTC-3'

ClinVar aggregate classification (germline): Likely benign (1 of 4 stars; one submission).

Allele frequency attached by ClinVar (database versions not stated): 1000 Genomes Project 0.00619; TOPMed 0.00648; 1000 Genomes Project 30x 0.00687; gnomAD 0.00713 and 0.00724.
gnomAD v4.1: 1,094 of 152,276 alleles (0.72%); highest among the groups gnomAD compares: East Asian, 1.4%; 4 homozygotes.

Submission:

GeneDx
Classification: Likely benign. Last evaluated: 2018-06-16. Review status: criteria provided, single submitter. Criteria: GeneDx Variant Classification (06012015). Collection method: clinical testing. Allele origin: germline. Affected: yes.
Comment: This variant is considered likely benign or benign based on one or more of the following criteria: it is a conservative change, it occurs at a poorly conserved position in the protein, it is predicted to be benign by multiple in silico algorithms, and/or has population frequency not consistent with disease.